The following is an entry in ClinVar:

NM_004415.4(DSP):c.117G>C (p.Arg39Ser)

Genes: DSP (desmoplakin; plus strand), DSP-AS1 (DSP antisense RNA 1; minus strand). Cytogenetic location: 6p24.3.
Variant type: single nucleotide variant.
Coding change: c.117G>C on transcript NM_004415.4 (MANE Select); coding-DNA position 117, G replaced by C.
Protein change: p.Arg39Ser; replaces arginine 39 with serine.
Molecular consequence: missense variant.
Genome position (GRCh38, 1-based): chr6:7,542,032, G>C. VCF-style: chr6-7542032-G-C. GRCh37 (hg19) VCF-style: chr6-7542265-G-C.
Other names: c.117G>C, p.Arg39Ser (NM_001008844.3, NM_001319034.2, NM_001406591.1); short protein forms R39S.
Identifiers: ClinVar variation 4088137 (VCV004088137.1).

ClinVar aggregate classification (germline): Uncertain significance (1 of 4 stars; one submission).

Submission:

GeneDx
Classification: Uncertain significance. Last evaluated: 2025-03-27. Review status: criteria provided, single submitter. Criteria: GeneDx Variant Classification Process June 2021. Collection method: clinical testing. Allele origin: germline. Affected: yes.
Comment: Not observed at significant frequency in large population cohorts (gnomAD); In silico analysis indicates that this missense variant does not alter protein structure/function; Has not been previously published as pathogenic or benign to our knowledge